The following is an entry in ClinVar:

ClinVar aggregate classification (germline): Uncertain significance (1 of 4 stars; one submission).

Conditions:
Nephrolithiasis/nephrocalcinosis. Identifiers: MedGen CN580796.

Submission:

Ambry Genetics
Classification: Uncertain significance for Nephrolithiasis/nephrocalcinosis. Last evaluated: 2023-10-12. Review status: criteria provided, single submitter. Criteria: Ambry Variant Classification Scheme 2023. Collection method: clinical testing. Allele origin: germline.
Comment: The p.T445S variant (also known as c.1334C>G), located in coding exon 3 of the CASR gene, results from a C to G substitution at nucleotide position 1334. The threonine at codon 445 is replaced by serine, an amino acid with similar properties. In addition, this alteration is predicted to be tolerated by in silico analysis. Since supporting evidence is limited at this time, the clinical significance of this alteration remains unclear.

NM_000388.4(CASR):c.1334C>G (p.Thr445Ser)

Gene: CASR (calcium sensing receptor; plus strand). Cytogenetic location: 3q21.1.
Variant type: single nucleotide variant.
Coding change: c.1334C>G on transcript NM_000388.4 (MANE Select); coding-DNA position 1334, C replaced by G.
Protein change: p.Thr445Ser; replaces threonine 445 with serine.
Molecular consequence: missense variant.
Genome position (GRCh38, 1-based): chr3:122,262,369, C>G. VCF-style: chr3-122262369-C-G. GRCh37 (hg19) VCF-style: chr3-121981216-C-G.
Other names: c.1334C>G, p.Thr445Ser (NM_001178065.2); short protein forms T445S.
Identifiers: ClinVar variation 1770213 (VCV001770213.2), dbSNP rs1471887387, ClinGen allele CA354153178.